The following is an entry in ClinVar:

NM_017752.3(TBC1D8B):c.1708G>C (p.Gly570Arg)

Gene: TBC1D8B (TBC1 domain family member 8B; plus strand). Cytogenetic location: Xq22.3.
Variant type: single nucleotide variant.
Coding change: c.1708G>C on transcript NM_017752.3 (MANE Select); coding-DNA position 1708, G replaced by C.
Protein change: p.Gly570Arg; replaces glycine 570 with arginine.
Molecular consequence: missense variant.
Genome position (GRCh38, 1-based): chrX:106,840,873, G>C. VCF-style: chrX-106840873-G-C. GRCh37 (hg19) VCF-style: chrX-106084103-G-C.
Other names: c.1708G>C (NM_017752.2); c.1708G>C, p.Gly570Arg (NM_198881.2); short protein forms G570R.
Identifiers: ClinVar variation 3614259 (VCV003614259.3).

ClinVar aggregate classification (germline): Uncertain significance. Review status: criteria provided, multiple submitters, no conflicts (2 of 4 stars). 2 submissions from 2 submitters: Uncertain significance (2). Last evaluated 2025-06-24.

gnomAD v4.1: 7 of 1,206,385 alleles (0.00058%); highest among the groups gnomAD compares: African/African-American, 0.012%; no homozygotes.

Submissions (2):

Ambry Genetics
Classification: Uncertain significance. Last evaluated: 2025-06-24. Review status: criteria provided, single submitter. Criteria: Ambry Variant Classification Scheme 2023. Collection method: clinical testing. Allele origin: germline.

Labcorp Genetics (formerly Invitae), Labcorp
Classification: Uncertain significance. Last evaluated: 2025-06-12. Review status: criteria provided, single submitter. Criteria: Invitae Variant Classification Sherloc (09022015). Collection method: clinical testing. Allele origin: germline.
Comment: This sequence change replaces glycine, which is neutral and non-polar, with arginine, which is basic and polar, at codon 570 of the TBC1D8B protein (p.Gly570Arg). This variant is present in population databases (rs371525354, gnomAD 0.02%). This variant has not been reported in the literature in individuals affected with TBC1D8B-related conditions. ClinVar contains an entry for this variant (Variation ID: 3614259). An algorithm developed to predict the effect of missense changes on protein structure and function (PolyPhen-2) suggests that this variant is likely to be disruptive. In summary, the available evidence is currently insufficient to determine the role of this variant in disease. Therefore, it has been classified as a Variant of Uncertain Significance.